The following is an entry in ClinVar:

NM_005188.4(CBL):c.1227+2T>C

Gene: CBL (Cbl proto-oncogene; plus strand). Cytogenetic location: 11q23.3.
Variant type: single nucleotide variant.
Coding change: c.1227+2T>C on transcript NM_005188.4 (MANE Select); the canonical splice donor site of the intron after coding-DNA position 1227, T replaced by C.
Molecular consequence: splice donor variant.
Genome position (GRCh38, 1-based): chr11:119,278,299, T>C. VCF-style: chr11-119278299-T-C. GRCh37 (hg19) VCF-style: chr11-119149009-T-C.
Identifiers: ClinVar variation 2120019 (VCV002120019.4), dbSNP rs2135303926, ClinGen allele CA382912962.

ClinVar aggregate classification (germline): Uncertain significance (1 of 4 stars; one submission).

Conditions:
RASopathy. Also called: rasopathies; Noonan spectrum disorder. Identifiers: Orphanet 536391, MedGen C5555857, MONDO:0021060.

Allele frequency attached by ClinVar (database versions not stated): gnomAD 0.00001.
gnomAD v4.1: 1 of 1,613,970 alleles (0.000062%); highest among the groups gnomAD compares: Non-Finnish European, 0.000085%; no homozygotes.

Submission:

Labcorp Genetics (formerly Invitae), Labcorp
Classification: Uncertain significance for RASopathy. Last evaluated: 2022-03-31. Review status: criteria provided, single submitter. Criteria: Invitae Variant Classification Sherloc (09022015). Collection method: clinical testing. Allele origin: germline.
Comment: In summary, the available evidence is currently insufficient to determine the role of this variant in disease. Therefore, it has been classified as a Variant of Uncertain Significance. Algorithms developed to predict the effect of sequence changes on RNA splicing suggest that this variant may disrupt the consensus splice site. This variant has not been reported in the literature in individuals affected with CBL-related conditions. This variant is not present in population databases (gnomAD no frequency). This sequence change affects a donor splice site in intron 8 of the CBL gene. It is expected to disrupt RNA splicing. Variants that disrupt the donor or acceptor splice site typically lead to a loss of protein function (PMID: 16199547), however the current clinical and genetic evidence is not sufficient to establish whether loss-of-function variants in CBL cause disease.

Literature cited by the submitters: PubMed 16199547.